The following is an entry in ClinVar:

ClinVar aggregate classification (germline): Benign. Review status: criteria provided, multiple submitters, no conflicts (2 of 4 stars). 2 submissions from 2 submitters: Benign (2). Last evaluated 2018-06-18.

Allele frequency attached by ClinVar (database versions not stated): 1000 Genomes Project 30x 0.96299; 1000 Genomes Project 0.96565; TOPMed 0.96822; gnomAD 0.96997 and 0.97174; gnomAD exomes 0.99599.
gnomAD v4.1: 402,606 of 407,934 alleles (99%); highest among the groups gnomAD compares: East Asian, 100%; 198,882 homozygotes.

Submissions (2):

GeneDx
Classification: Benign. Last evaluated: 2018-06-18. Review status: criteria provided, single submitter. Criteria: GeneDx Variant Classification (06012015). Collection method: clinical testing. Allele origin: germline. Affected: yes.
Comment: This variant is considered likely benign or benign based on one or more of the following criteria: it is a conservative change, it occurs at a poorly conserved position in the protein, it is predicted to be benign by multiple in silico algorithms, and/or has population frequency not consistent with disease.

Breakthrough Genomics
Classification: Benign. Review status: criteria provided, single submitter. Criteria: ACMG Guidelines, 2015. Collection method: not provided. Allele origin: germline. Inheritance: Autosomal dominant inheritance. Affected: yes.

NM_005902.4(SMAD3):c.207-26500T>C

Gene: SMAD3 (SMAD family member 3; plus strand). Cytogenetic location: 15q22.33.
Variant type: single nucleotide variant.
Coding change: c.207-26500T>C on transcript NM_005902.4 (MANE Select); 26500 bases into the intron before coding-DNA position 207, T replaced by C.
Molecular consequence: intron variant.
Genome position (GRCh38, 1-based): chr15:67,138,395, T>C. VCF-style: chr15-67138395-T-C. GRCh37 (hg19) VCF-style: chr15-67430733-T-C.
Other names: c.-110+12411T>C (NM_001145102.2); c.74+295T>C (NM_001145103.2).
Identifiers: ClinVar variation 683841 (VCV000683841.2), dbSNP rs959504, ClinGen allele CA272440597.
Genomic context (GRCh38, chr15:67,138,395, plus strand): 5'-CTCCCCTGAACCCCCCCTCCCCCGGCCCCAGGATGGAGCTTGCTTGCCATCGCAGTGGAT[T>C]TGCGGAAGAGGGTTCCAGAGTGTGGGGAGAGCGTGCTGGGGAGGGGAGCTATTTGTTCCT-3'